The following is an entry in ClinVar:

ClinVar aggregate classification (germline): Benign/Likely benign. Review status: criteria provided, multiple submitters, no conflicts (2 of 4 stars). 3 submissions from 3 submitters: Benign (2); Likely benign (1). Last evaluated 2022-05-01.

Allele frequency attached by ClinVar (database versions not stated): gnomAD 0.00186 and 0.00182; 1000 Genomes Project 0.00359; 1000 Genomes Project 30x 0.00359; ESP Exome Variant Server 0.00160; TOPMed 0.00176.
gnomAD v4.1: 793 of 1,583,022 alleles (0.05%); highest among the groups gnomAD compares: African/African-American, 0.6%; 5 homozygotes.

Submissions (3):

CeGaT Center for Human Genetics Tuebingen
Classification: Likely benign. Last evaluated: 2022-05-01. Review status: criteria provided, single submitter. Criteria: CeGaT Center For Human Genetics Tuebingen Variant Classification Criteria Version 2. Collection method: clinical testing. Allele origin: germline. Affected: yes. Observed: 1 variant allele.
Comment: ZFAT: BP4

Labcorp Genetics (formerly Invitae), Labcorp
Classification: Benign. Last evaluated: 2018-06-18. Review status: criteria provided, single submitter. Criteria: Invitae Variant Classification Sherloc (09022015). Collection method: clinical testing. Allele origin: germline.

Breakthrough Genomics
Classification: Benign. Review status: criteria provided, single submitter. Criteria: ACMG Guidelines, 2015. Collection method: not provided. Allele origin: germline. Inheritance: Unknown mechanism. Affected: yes.

NM_020863.4(ZFAT):c.3555G>A (p.Ala1185=)

Gene: ZFAT (zinc finger and AT-hook domain containing; minus strand). Cytogenetic location: 8q24.22.
Variant type: single nucleotide variant.
Coding change: c.3555G>A on transcript NM_020863.4 (MANE Select); coding-DNA position 3555, G replaced by A.
Protein change: p.Ala1185=; no amino-acid change (alanine 1185 retained).
Molecular consequence: synonymous variant. On other transcripts: non-coding transcript variant (1).
Genome position (GRCh38, 1-based): chr8:134,478,659, C>T on the plus strand (G>A on the coding strand, the complement: ZFAT is on the minus strand). VCF-style: chr8-134478659-C-T. GRCh37 (hg19) VCF-style: chr8-135490902-C-T.
Other names: c.3519G>A, p.Ala1173= (NM_001029939.4, NM_001167583.3, NM_001289394.2); c.3369G>A, p.Ala1123= (NM_001174157.2); c.3261G>A, p.Ala1087= (NM_001174158.2).
Identifiers: ClinVar variation 713509 (VCV000713509.35), dbSNP rs188324571, ClinGen allele CA4887374.